The following is an entry in ClinVar:

ClinVar aggregate classification (germline): Pathogenic (1 of 4 stars; one submission).

Conditions:
Inborn genetic diseases. Identifiers: MedGen C0950123, MeSH D030342.

Submission:

Ambry Genetics
Classification: Pathogenic for Inborn genetic diseases. Last evaluated: 2022-09-06. Review status: criteria provided, single submitter. Criteria: Ambry Variant Classification Scheme 2023. Collection method: clinical testing. Allele origin: germline.
Comment: The c.1030delG (p.V344Lfs*41) alteration, located in exon 4 (coding exon 4) of the IGF1R gene, consists of a deletion of one nucleotide at position 1030, causing a translational frameshift with a predicted alternate stop codon after 41 amino acids. This alteration is expected to result in loss of function by premature protein truncation or nonsense-mediated mRNA decay. This variant was not reported in population-based cohorts in the Genome Aggregation Database (gnomAD). Based on the available evidence, this alteration is classified as pathogenic.

NM_000875.5(IGF1R):c.1030del (p.Val344fs)

Genes: IGF1R (insulin like growth factor 1 receptor; plus strand), LOC126862245 (P300/CBP strongly-dependent group 1 enhancer GRCh37_chr15:99439536-99440735; plus strand). Cytogenetic location: 15q26.3.
Variant type: Deletion.
Coding change: c.1030del on transcript NM_000875.5 (MANE Select); coding-DNA position 1030, one base deleted (G; older notation c.1030delG).
Protein change: p.Val344fs; shifts the reading frame from valine 344.
Molecular consequence: frameshift variant.
Genome position (GRCh38, 1-based): chr15:98,896,833, G deleted. VCF-style (leftmost placement, unchanged base first): chr15-98896832-TG-T. GRCh37 (hg19) VCF-style: chr15-99440061-TG-T.
Other names: c.1030del, p.Val344fs (NM_001291858.2); short protein forms V344fs.
Identifiers: ClinVar variation 2305842 (VCV002305842.2), dbSNP rs2505981458, ClinGen allele CA2580090369.